The following is an entry in ClinVar:

NM_000245.4(MET):c.2265-50T>C

Gene: MET (MET proto-oncogene, receptor tyrosine kinase; plus strand). Cytogenetic location: 7q31.2.
Variant type: single nucleotide variant.
Coding change: c.2265-50T>C on transcript NM_000245.4 (MANE Select); 50 bases into the intron before coding-DNA position 2265, T replaced by C.
Molecular consequence: intron variant. On other transcripts: missense variant (1).
Genome position (GRCh38, 1-based): chr7:116,759,341, T>C. VCF-style: chr7-116759341-T-C. GRCh37 (hg19) VCF-style: chr7-116399395-T-C.
Other names: c.2269T>C, p.Trp757Arg (NM_001127500.3); c.975-50T>C (NM_001324402.2); c.2265-50T>C (NM_001324401.3); short protein forms W757R.
Identifiers: ClinVar variation 3367473 (VCV003367473.2).
Genomic context (GRCh38, chr7:116,759,341, plus strand): 5'-CTGTGCCTCTGACCTGTAATCAGTGCAGGTGATTAAATTGAATCCCTCTCTTACAGTACT[T>C]GGTGGAAAGAACCTCTCAACATTGTCAGTTTTCTATTTTGCTTTGCCAGTGGTGGGAGCA-3'

ClinVar aggregate classification (germline): Uncertain significance. Review status: criteria provided, multiple submitters, no conflicts (2 of 4 stars). 2 submissions from 2 submitters: Uncertain significance (2). Last evaluated 2026-05-21.

Conditions:
Hereditary cancer-predisposing syndrome. Also called: Neoplastic Syndromes, Hereditary; Tumor predisposition; Hereditary Cancer Syndrome; Hereditary neoplastic syndrome. Identifiers: Orphanet 140162, MedGen C0027672, MeSH D009386, MONDO:0015356.

Submissions (2):

Ambry Genetics
Classification: Uncertain significance for Hereditary cancer-predisposing syndrome. Last evaluated: 2026-05-21. Review status: criteria provided, single submitter. Criteria: Ambry Variant Classification Scheme 2023. Collection method: clinical testing. Allele origin: germline.
Comment: The p.W757R variant (also known as c.2269T>C), located in coding exon 9 of the MET gene, results from a T to C substitution at nucleotide position 2269. The tryptophan at codon 757 is replaced by arginine, an amino acid with dissimilar properties. This amino acid position is conserved. In addition, this alteration is predicted to be tolerated by in silico analysis. Based on the available evidence, the clinical significance of this variant remains unclear.

GeneDx
Classification: Uncertain significance. Last evaluated: 2024-01-02. Review status: criteria provided, single submitter. Criteria: GeneDx Variant Classification Process June 2021. Collection method: clinical testing. Allele origin: germline. Affected: yes.
Comment: Not observed at significant frequency in large population cohorts (gnomAD); In silico analysis supports that this missense variant does not alter protein structure/function; Has not been previously published as pathogenic or benign to our knowledge